The following is an entry in ClinVar:

NM_139057.4(ADAMTS17):c.1194C>A (p.Asn398Lys)

Gene: ADAMTS17 (ADAM metallopeptidase with thrombospondin type 1 motif 17; minus strand). Cytogenetic location: 15q26.3.
Variant type: single nucleotide variant.
Coding change: c.1194C>A on transcript NM_139057.4 (MANE Select); coding-DNA position 1194, C replaced by A.
Protein change: p.Asn398Lys; replaces asparagine 398 with lysine.
Molecular consequence: missense variant.
Genome position (GRCh38, 1-based): chr15:100,155,308, G>T on the plus strand (C>A on the coding strand, the complement: ADAMTS17 is on the minus strand). VCF-style: chr15-100155308-G-T. GRCh37 (hg19) VCF-style: chr15-100695513-G-T.
Other names: short protein forms N398K.
Identifiers: ClinVar variation 2092121 (VCV002092121.4), dbSNP rs2039381249, ClinGen allele CA393934649.

ClinVar aggregate classification (germline): Uncertain significance (1 of 4 stars; one submission).

Allele frequency attached by ClinVar (database versions not stated): gnomAD exomes below 0.00001.
gnomAD v4.1: 1 of 1,613,834 alleles (0.000062%); highest among the groups gnomAD compares: Non-Finnish European, 0.000085%; no homozygotes.

Submission:

Labcorp Genetics (formerly Invitae), Labcorp
Classification: Uncertain significance. Last evaluated: 2022-04-03. Review status: criteria provided, single submitter. Criteria: Invitae Variant Classification Sherloc (09022015). Collection method: clinical testing. Allele origin: germline.
Comment: This sequence change replaces asparagine, which is neutral and polar, with lysine, which is basic and polar, at codon 398 of the ADAMTS17 protein (p.Asn398Lys). This variant is not present in population databases (gnomAD no frequency). This variant has not been reported in the literature in individuals affected with ADAMTS17-related conditions. Algorithms developed to predict the effect of missense changes on protein structure and function are either unavailable or do not agree on the potential impact of this missense change (SIFT: "Not Available"; PolyPhen-2: "Benign"; Align-GVGD: "Not Available"). In summary, the available evidence is currently insufficient to determine the role of this variant in disease. Therefore, it has been classified as a Variant of Uncertain Significance.